The following is an entry in ClinVar:

ClinVar aggregate classification (germline): Uncertain significance. Review status: criteria provided, multiple submitters, no conflicts (2 of 4 stars). 2 submissions from 2 submitters: Uncertain significance (2). Last evaluated 2025-01-24.

Conditions:
Inborn genetic diseases. Identifiers: MedGen C0950123, MeSH D030342.

Allele frequency attached by ClinVar (database versions not stated): ExAC 0.00001; gnomAD 0.00001; gnomAD exomes 0.00001; TOPMed 0.00001; ESP Exome Variant Server 0.00008.
gnomAD v4.1: 5 of 1,613,478 alleles (0.00031%); highest among the groups gnomAD compares: East Asian, 0.0045%; no homozygotes.

Submissions (2):

Ambry Genetics
Classification: Uncertain significance for Inborn genetic diseases. Last evaluated: 2025-01-24. Review status: criteria provided, single submitter. Criteria: Ambry Variant Classification Scheme 2023. Collection method: clinical testing. Allele origin: germline.

Labcorp Genetics (formerly Invitae), Labcorp
Classification: Uncertain significance. Last evaluated: 2022-05-16. Review status: criteria provided, single submitter. Criteria: Invitae Variant Classification Sherloc (09022015). Collection method: clinical testing. Allele origin: germline.
Comment: In summary, the available evidence is currently insufficient to determine the role of this variant in disease. Therefore, it has been classified as a Variant of Uncertain Significance. Algorithms developed to predict the effect of missense changes on protein structure and function are either unavailable or do not agree on the potential impact of this missense change (SIFT: "Deleterious"; PolyPhen-2: "Benign"; Align-GVGD: "Class C0"). This variant has not been reported in the literature in individuals affected with ACTN1-related conditions. This variant is present in population databases (rs200613938, gnomAD 0.01%). This sequence change replaces glutamic acid, which is acidic and polar, with lysine, which is basic and polar, at codon 56 of the ACTN1 protein (p.Glu56Lys).

NM_001130004.2(ACTN1):c.166G>A (p.Glu56Lys)

Gene: ACTN1 (actinin alpha 1; minus strand). Cytogenetic location: 14q24.1.
Variant type: single nucleotide variant.
Coding change: c.166G>A on transcript NM_001130004.2 (MANE Select); coding-DNA position 166, G replaced by A.
Protein change: p.Glu56Lys; replaces glutamic acid 56 with lysine.
Molecular consequence: missense variant.
Genome position (GRCh38, 1-based): chr14:68,925,612, C>T on the plus strand (G>A on the coding strand, the complement: ACTN1 is on the minus strand). VCF-style: chr14-68925612-C-T. GRCh37 (hg19) VCF-style: chr14-69392329-C-T.
Other names: c.166G>A, p.Glu56Lys (NM_001102.4, NM_001130005.2, NM_001411035.1); c.-30G>A (NM_001411036.1); short protein forms E56K.
Identifiers: ClinVar variation 1961527 (VCV001961527.6), dbSNP rs200613938, ClinGen allele CA7242791.